The following is an entry in ClinVar:

ClinVar aggregate classification (germline): Conflicting classifications of pathogenicity. Review status: criteria provided, conflicting classifications (1 of 4 stars). 7 submissions from 7 submitters: Uncertain significance (4); Benign (2); Likely benign (1). Last evaluated 2026-08-06.

Conditions:
Hereditary cancer-predisposing syndrome. Also called: Neoplastic Syndromes, Hereditary; Hereditary Cancer Syndrome; Tumor predisposition; Hereditary neoplastic syndrome. Identifiers: Orphanet 140162, MedGen C0027672, MeSH D009386, MONDO:0015356.
Tuberous sclerosis syndrome (TSC). Also called: Tuberous Sclerosis Complex; Tuberous sclerosis. Identifiers: Orphanet 805, MedGen C0041341, MONDO:0001734.
Tuberous sclerosis 1 (TSC1). Identifiers: Orphanet 805, MedGen C1854465, MONDO:0008612, OMIM 191100.

Allele frequency attached by ClinVar (database versions not stated): gnomAD 0.00002 and 0.00003; gnomAD exomes 0.00002; TOPMed 0.00003; ExAC 0.00004.
gnomAD v4.1: 12 of 1,613,564 alleles (0.00074%); highest among the groups gnomAD compares: African/African-American, 0.004%; no homozygotes.

Submissions (7):

OLLIN Analises Genomicas, OLLIN
Classification: Uncertain significance for Tuberous sclerosis 1. Last evaluated: 2026-08-06. Review status: criteria provided, single submitter. Criteria: ACMG Guidelines 2015 PMID 25741868. Collection method: clinical testing. Allele origin: germline.
Comment: This missense variant, located in exon 23 (of 23), has been reported in ClinVar (accession VCV000486567.21) and in gnomAD with an allele frequency of 0.00074%. However, to our knowledge, it has not been reported in the scientific literature. In silico analysis predicts that this variant has a tolerated effect. According to the currently available evidence, this variant has been classified as uncertain significance (BP4_M).

Labcorp Genetics (formerly Invitae), Labcorp
Classification: Benign for Tuberous sclerosis 1. Last evaluated: 2026-01-13. Review status: criteria provided, single submitter. Criteria: Invitae Variant Classification Sherloc (09022015). Collection method: clinical testing. Allele origin: germline.

Color Diagnostics, LLC DBA Color Health
Classification: Uncertain significance for Tuberous sclerosis syndrome. Last evaluated: 2025-06-12. Review status: criteria provided, single submitter. Criteria: ACMG Guidelines, 2015. Collection method: clinical testing. Allele origin: germline.
Comment: This missense variant replaces serine with glycine at codon 1038 of the TSC1 protein. Computational prediction suggests that this variant may not impact protein structure and function. To our knowledge, functional studies have not been reported for this variant. This variant has not been reported in individuals affected with TSC1-related disorders in the literature. This variant has been identified in 5/249780 chromosomes in the general population by the Genome Aggregation Database (gnomAD). The available evidence is insufficient to determine the role of this variant in disease conclusively. Therefore, this variant is classified as a Variant of Uncertain Significance.

Quest Diagnostics Nichols Institute San Juan Capistrano
Classification: Uncertain significance. Last evaluated: 2024-12-10. Review status: criteria provided, single submitter. Criteria: Quest Diagnostics criteria. Collection method: clinical testing. Allele origin: unknown.

All of Us Research Program, National Institutes of Health
Classification: Uncertain significance for Tuberous sclerosis syndrome. Last evaluated: 2023-09-17. Review status: criteria provided, single submitter. Criteria: ACMG Guidelines, 2015. Collection method: clinical testing. Allele origin: germline. Inheritance: Autosomal dominant inheritance. Observed: 2 variant alleles, 2 heterozygotes.
Comment: This missense variant replaces serine with glycine at codon 1038 of the TSC1 protein. Computational prediction suggests that this variant may not impact protein structure and function (internally defined REVEL score threshold <= 0.5, PMID: 27666373). To our knowledge, functional studies have not been reported for this variant. This variant has not been reported in individuals affected with TSC1-related disorders in the literature. This variant has been identified in 5/249780 chromosomes in the general population by the Genome Aggregation Database (gnomAD). The available evidence is insufficient to determine the role of this variant in disease conclusively. Therefore, this variant is classified as a Variant of Uncertain Significance.

This study involves interpretation of variants in research participants for the purpose of population health screening. Participant phenotype was not available at the time of variant classification. Additional details can be found in publication PMID: 35346344, PMCID: PMC8962531

Genome-Nilou Lab
Classification: Benign for Tuberous sclerosis 1. Last evaluated: 2021-11-07. Review status: criteria provided, single submitter. Criteria: ACMG Guidelines, 2015. Collection method: clinical testing. Allele origin: germline. Affected: no.

Ambry Genetics
Classification: Likely benign for Hereditary cancer-predisposing syndrome. Last evaluated: 2017-04-26. Review status: criteria provided, single submitter. Criteria: Ambry Variant Classification Scheme 2023. Collection method: clinical testing. Allele origin: germline.

NM_000368.5(TSC1):c.3112A>G (p.Ser1038Gly)

Gene: TSC1 (TSC complex subunit 1; minus strand). Cytogenetic location: 9q34.13.
Variant type: single nucleotide variant.
Coding change: c.3112A>G on transcript NM_000368.5 (MANE Select); coding-DNA position 3112, A replaced by G.
Protein change: p.Ser1038Gly; replaces serine 1038 with glycine.
Molecular consequence: missense variant.
Genome position (GRCh38, 1-based): chr9:132,896,618, T>C on the plus strand (A>G on the coding strand, the complement: TSC1 is on the minus strand). VCF-style: chr9-132896618-T-C. GRCh37 (hg19) VCF-style: chr9-135772005-T-C.
Other names: c.3109A>G, p.Ser1037Gly (NM_001162426.2); c.2959A>G, p.Ser987Gly (NM_001162427.2); c.2749A>G, p.Ser917Gly (NM_001362177.2); short protein forms S1038G, S917G, S987G, S1037G.
Identifiers: ClinVar variation 486567 (VCV000486567.22), dbSNP rs768443391, ClinGen allele CA035829.